The following is an entry in ClinVar:

ClinVar aggregate classification (germline): Uncertain significance (1 of 4 stars; one submission).

Allele frequency attached by ClinVar (database versions not stated): gnomAD exomes below 0.00001.
gnomAD v4.1: 1 of 1,592,626 alleles (0.000063%); highest among the groups gnomAD compares: Non-Finnish European, 0.000085%; no homozygotes.

Submission:

Labcorp Genetics (formerly Invitae), Labcorp
Classification: Uncertain significance. Last evaluated: 2022-06-15. Review status: criteria provided, single submitter. Criteria: Invitae Variant Classification Sherloc (09022015). Collection method: clinical testing. Allele origin: germline.
Comment: This sequence change replaces glycine, which is neutral and non-polar, with glutamic acid, which is acidic and polar, at codon 181 of the PPA2 protein (p.Gly181Glu). This variant is not present in population databases (gnomAD no frequency). This variant has not been reported in the literature in individuals affected with PPA2-related conditions. Algorithms developed to predict the effect of missense changes on protein structure and function (SIFT, PolyPhen-2, Align-GVGD) all suggest that this variant is likely to be disruptive. In summary, the available evidence is currently insufficient to determine the role of this variant in disease. Therefore, it has been classified as a Variant of Uncertain Significance.

NM_176869.3(PPA2):c.542G>A (p.Gly181Glu)

Gene: PPA2 (inorganic pyrophosphatase 2; minus strand). Cytogenetic location: 4q24.
Variant type: single nucleotide variant.
Coding change: c.542G>A on transcript NM_176869.3 (MANE Select); coding-DNA position 542, G replaced by A.
Protein change: p.Gly181Glu; replaces glycine 181 with glutamic acid.
Molecular consequence: missense variant. On other transcripts: intron variant (1).
Genome position (GRCh38, 1-based): chr4:105,424,309, C>T on the plus strand (G>A on the coding strand, the complement: PPA2 is on the minus strand). VCF-style: chr4-105424309-C-T. GRCh37 (hg19) VCF-style: chr4-106345466-C-T.
Other names: c.455G>A, p.Gly152Glu (NM_006903.4); c.236G>A, p.Gly79Glu (NM_176866.2); c.158-25145G>A (NM_176867.3); short protein forms G79E, G181E, G152E.
Identifiers: ClinVar variation 1966551 (VCV001966551.5), dbSNP rs2477134386, ClinGen allele CA357795604.